The following is an entry in ClinVar:

ClinVar aggregate classification (germline): Benign (1 of 4 stars; one submission).

Allele frequency attached by ClinVar (database versions not stated): 1000 Genomes Project 30x 0.43941; 1000 Genomes Project 0.43970; TOPMed 0.44465; gnomAD 0.44954 and 0.45241.
gnomAD v4.1: 68,660 of 151,756 alleles (45%); highest among the groups gnomAD compares: Non-Finnish European, 50%; 15,953 homozygotes.

Submission:

GeneDx
Classification: Benign. Last evaluated: 2018-06-19. Review status: criteria provided, single submitter. Criteria: GeneDx Variant Classification (06012015). Collection method: clinical testing. Allele origin: germline. Affected: yes.
Comment: This variant is considered likely benign or benign based on one or more of the following criteria: it is a conservative change, it occurs at a poorly conserved position in the protein, it is predicted to be benign by multiple in silico algorithms, and/or has population frequency not consistent with disease.

NM_014244.5(ADAMTS2):c.2085+266T>C

Gene: ADAMTS2 (ADAM metallopeptidase with thrombospondin type 1 motif 2; minus strand). Cytogenetic location: 5q35.3.
Variant type: single nucleotide variant.
Coding change: c.2085+266T>C on transcript NM_014244.5 (MANE Select); 266 bases into the intron after coding-DNA position 2085, T replaced by C.
Molecular consequence: intron variant.
Genome position (GRCh38, 1-based): chr5:179,135,643, A>G on the plus strand (T>C on the coding strand, the complement: ADAMTS2 is on the minus strand). VCF-style: chr5-179135643-A-G. GRCh37 (hg19) VCF-style: chr5-178562644-A-G.
Identifiers: ClinVar variation 682695 (VCV000682695.1), dbSNP rs3776814, ClinGen allele CA11956033.